The following is an entry in ClinVar:

ClinVar aggregate classification (germline): Pathogenic. Review status: criteria provided, multiple submitters, no conflicts (2 of 4 stars). 5 submissions from 5 submitters: Pathogenic (5). Last evaluated 2024-01-08.

Conditions:
Hereditary cancer-predisposing syndrome. Also called: Neoplastic Syndromes, Hereditary; Tumor predisposition; Hereditary Cancer Syndrome; Hereditary neoplastic syndrome. Identifiers: Orphanet 140162, MedGen C0027672, MeSH D009386, MONDO:0015356.
Familial cancer of breast. Also called: BREAST CANCER, FAMILIAL; Hereditary breast cancer; hereditary breast carcinoma. Identifiers: Orphanet 227535, MedGen C0346153, MONDO:0016419, OMIM 114480. Disease mechanism: loss of function.

Allele frequency attached by ClinVar (database versions not stated): TOPMed below 0.00001; gnomAD 0.00001.
gnomAD v4.1: 1 of 1,613,946 alleles (0.000062%); highest among the groups gnomAD compares: Non-Finnish European, 0.000085%; no homozygotes.

Submissions (5):

Color Diagnostics, LLC DBA Color Health
Classification: Pathogenic for Hereditary cancer-predisposing syndrome. Last evaluated: 2024-01-08. Review status: criteria provided, single submitter. Criteria: ACMG Guidelines, 2015. Collection method: clinical testing. Allele origin: germline.
Comment: This variant changes 1 nucleotide in exon 4 of the PALB2 gene, creating a premature translation stop signal. This variant is expected to result in an absent or non-functional protein product. To our knowledge, this variant has not been reported in individuals affected with hereditary cancer in the literature. This variant has not been identified in the general population by the Genome Aggregation Database (gnomAD). Loss of PALB2 function is a known mechanism of disease. Based on the available evidence, this variant is classified as Pathogenic.

Myriad Genetics, Inc.
Classification: Pathogenic for Familial cancer of breast. Last evaluated: 2023-09-08. Review status: criteria provided, single submitter. Criteria: Myriad Autosomal Dominant, Autosomal Recessive and X-Linked Classification Criteria (2023). Collection method: clinical testing. Allele origin: unknown.
Comment: This variant is considered pathogenic. This variant creates a termination codon and is predicted to result in premature protein truncation.

Ambry Genetics
Classification: Pathogenic for Hereditary cancer-predisposing syndrome. Last evaluated: 2023-07-07. Review status: criteria provided, single submitter. Criteria: Ambry Variant Classification Scheme 2023. Collection method: clinical testing. Allele origin: germline.
Comment: The p.Q420* pathogenic mutation (also known as c.1258C>T), located in coding exon 4 of the PALB2 gene, results from a C to T substitution at nucleotide position 1258. This changes the amino acid from a glutamine to a stop codon within coding exon 4. This alteration is expected to result in loss of function by premature protein truncation or nonsense-mediated mRNA decay. As such, this alteration is interpreted as a disease-causing mutation.

Labcorp Genetics (formerly Invitae), Labcorp
Classification: Pathogenic for Familial cancer of breast. Last evaluated: 2023-03-20. Review status: criteria provided, single submitter. Criteria: Invitae Variant Classification Sherloc (09022015). Collection method: clinical testing. Allele origin: germline.
Comment: For these reasons, this variant has been classified as Pathogenic. ClinVar contains an entry for this variant (Variation ID: 142412). This variant has not been reported in the literature in individuals affected with PALB2-related conditions. This variant is not present in population databases (gnomAD no frequency). This sequence change creates a premature translational stop signal (p.Gln420*) in the PALB2 gene. It is expected to result in an absent or disrupted protein product. Loss-of-function variants in PALB2 are known to be pathogenic (PMID: 17200668, 17200671, 17200672, 24136930, 25099575).

GeneDx
Classification: Pathogenic. Last evaluated: 2017-09-14. Review status: criteria provided, single submitter. Criteria: GeneDx Variant Classification (06012015). Collection method: clinical testing. Allele origin: germline. Affected: yes.
Comment: This variant is denoted PALB2 c.1258C>T at the cDNA level and p.Gln420Ter (Q420X) at the protein level. The substitution creates a nonsense variant, which changes a Glutamine to a premature stop codon (CAG>TAG), and is predicted to cause loss of normal protein function through either protein truncation or nonsense-mediated mRNA decay. Although this variant has not, to our knowledge, been reported in the literature, it is considered pathogenic.

Literature cited by the submitters: PubMed 17200668 (cited by Labcorp Genetics (formerly Invitae), Labcorp); PubMed 17200671 (cited by Labcorp Genetics (formerly Invitae), Labcorp); PubMed 17200672 (cited by Labcorp Genetics (formerly Invitae), Labcorp); PubMed 24136930 (cited by Labcorp Genetics (formerly Invitae), Labcorp); PubMed 25099575 (cited by Labcorp Genetics (formerly Invitae), Labcorp).

NM_024675.4(PALB2):c.1258C>T (p.Gln420Ter)

Gene: PALB2 (partner and localizer of BRCA2; minus strand). Cytogenetic location: 16p12.2.
Variant type: single nucleotide variant.
Coding change: c.1258C>T on transcript NM_024675.4 (MANE Select); coding-DNA position 1258, C replaced by T.
Protein change: p.Gln420Ter; replaces glutamine 420 with a stop codon.
Molecular consequence: nonsense.
Genome position (GRCh38, 1-based): chr16:23,635,288, G>A on the plus strand (C>T on the coding strand, the complement: PALB2 is on the minus strand). VCF-style: chr16-23635288-G-A. GRCh37 (hg19) VCF-style: chr16-23646609-G-A.
Other names: short protein forms Q420*.
Identifiers: ClinVar variation 142412 (VCV000142412.22), dbSNP rs587782446, ClinGen allele CA168278.